The following is an entry in ClinVar:

ClinVar aggregate classification (germline): Pathogenic (1 of 4 stars; one submission).

Submission:

Quest Diagnostics Nichols Institute San Juan Capistrano
Classification: Pathogenic. Last evaluated: 2025-04-07. Review status: criteria provided, single submitter. Criteria: ACMG/ClinGen CNV Guidelines, 2019. Collection method: clinical testing. Allele origin: unknown.
Comment: The terminal loss 8p23.3p23.1 involves several protein-coding genes. Individuals with comparable or smaller deletions of this region have been reported with variable phenotypes (Burnside 2013, Chien 2010, Ozgen 2009, Shi 2017). There are no similar copy number losses of this region in the general populations of the Database of Genomic Variants. Therefore, based on gene content and current medical literature, this copy number variant (CNV) is classified as pathogenic with variable expressivity. References: Burnside et al., Am J Med Genet A. 2013 Apr;161A(4):822-8. PMID: 23495222 Chien et al., Clin Genet. 2010 Nov;78(5):449-56. PMID: 20236125 Ozgen et al., Clin Genet. 2009 Oct;76(4):348-56. PMID: 19793310 Shi et al., Mol Med Rep. 2017 Nov;16(5):6837-6845. PMID: 28901431

GRCh37/hg19 8p23.3-23.1(chr8:158049-8192683)x1

Genes: AGPAT5 (1-acylglycerol-3-phosphate O-acyltransferase 5; plus strand), ANGPT2 (angiopoietin 2; minus strand), ARHGEF10 (Rho guanine nucleotide exchange factor 10; plus strand), CLN8 (CLN8 transmembrane ER and ERGIC protein; plus strand), CSMD1 (CUB and Sushi multiple domains 1; minus strand) and 36 more. Cytogenetic location: 8p23.3-23.1.
Variant type: copy number loss.
Change: copy number 1 (one copy instead of two) of chr8:158,049-8,192,683 (8.03 Mb, GRCh37 coordinates, 1-based), cytogenetic band 8p23.3-23.1.
Identifiers: ClinVar variation 2685283 (VCV002685283.2).